The following is an entry in ClinVar:

NM_001558.4(IL10RA):c.1174G>A (p.Gly392Arg)

Gene: IL10RA (interleukin 10 receptor subunit alpha; plus strand). Cytogenetic location: 11q23.3.
Variant type: single nucleotide variant.
Coding change: c.1174G>A on transcript NM_001558.4 (MANE Select); coding-DNA position 1174, G replaced by A.
Protein change: p.Gly392Arg; replaces glycine 392 with arginine.
Molecular consequence: missense variant. On other transcripts: non-coding transcript variant (1).
Genome position (GRCh38, 1-based): chr11:117,999,078, G>A. VCF-style: chr11-117999078-G-A. GRCh37 (hg19) VCF-style: chr11-117869793-G-A.
Other names: c.1174G>A (NM_001558.3); short protein forms G392R.
Identifiers: ClinVar variation 1043386 (VCV001043386.9), dbSNP rs1031597162, ClinGen allele CA229449116.

ClinVar aggregate classification (germline): Uncertain significance. Review status: criteria provided, multiple submitters, no conflicts (2 of 4 stars). 2 submissions from 2 submitters: Uncertain significance (2). Last evaluated 2025-03-03.

Conditions:
Inborn genetic diseases. Identifiers: MedGen C0950123, MeSH D030342.
Inflammatory bowel disease 28. Also called: Inflammatory bowel disease 28, early onset, autosomal recessive. Identifiers: Orphanet 238569, MedGen C2751053, MONDO:0013153, OMIM 613148.

Allele frequency attached by ClinVar (database versions not stated): gnomAD 0.00001; gnomAD exomes 0.00001; TOPMed 0.00001.

Submissions (2):

Ambry Genetics
Classification: Uncertain significance for Inborn genetic diseases. Last evaluated: 2025-03-03. Review status: criteria provided, single submitter. Criteria: Ambry Variant Classification Scheme 2023. Collection method: clinical testing. Allele origin: germline.

Labcorp Genetics (formerly Invitae), Labcorp
Classification: Uncertain significance for Inflammatory bowel disease 28. Last evaluated: 2024-02-24. Review status: criteria provided, single submitter. Criteria: Invitae Variant Classification Sherloc (09022015). Collection method: clinical testing. Allele origin: germline.
Comment: This sequence change replaces glycine, which is neutral and non-polar, with arginine, which is basic and polar, at codon 392 of the IL10RA protein (p.Gly392Arg). This variant is present in population databases (no rsID available, gnomAD 0.0009%). This variant has not been reported in the literature in individuals affected with IL10RA-related conditions. ClinVar contains an entry for this variant (Variation ID: 1043386). Advanced modeling of protein sequence and biophysical properties (such as structural, functional, and spatial information, amino acid conservation, physicochemical variation, residue mobility, and thermodynamic stability) performed at Invitae indicates that this missense variant is not expected to disrupt IL10RA protein function with a negative predictive value of 80%. Algorithms developed to predict the effect of sequence changes on RNA splicing suggest that this variant may create or strengthen a splice site. In summary, the available evidence is currently insufficient to determine the role of this variant in disease. Therefore, it has been classified as a Variant of Uncertain Significance.